The following is an entry in ClinVar:

ClinVar aggregate classification (germline): Conflicting classifications of pathogenicity. Review status: criteria provided, conflicting classifications (1 of 4 stars). 4 submissions from 4 submitters: Uncertain significance (1); Likely benign (2). 1 of the submissions does not count toward it. Last evaluated 2026-01-26.

Conditions:
Inborn genetic diseases. Identifiers: MedGen C0950123, MeSH D030342.
Cutis laxa, X-linked (OHS). Also called: EDS IX; Occipital horn syndrome. Identifiers: Orphanet 198, MedGen C0268353, MONDO:0010572, OMIM 304150.
Menkes kinky-hair syndrome (MNK). Also called: Menkes Disease; Classic Menkes Disease; Copper transport disease. Identifiers: Orphanet 565, MedGen C0022716, MONDO:0010651, OMIM 309400.
X-linked distal spinal muscular atrophy type 3. Also called: NEURONOPATHY, DISTAL HEREDITARY MOTOR, X-LINKED; NEUROPATHY, DISTAL HEREDITARY MOTOR, X-LINKED; ATP7A-Related Distal Motor Neuropathy; SPINAL MUSCULAR ATROPHY, DISTAL, X-LINKED RECESSIVE. Identifiers: Orphanet 139557, MedGen C1845359, MONDO:0010338, OMIM 300489.

Allele frequency attached by ClinVar (database versions not stated): TOPMed 0.00002.
gnomAD v4.1: 27 of 1,209,845 alleles (0.0022%); highest among the groups gnomAD compares: East Asian, 0.003%; no homozygotes.

Submissions (4):

Labcorp Genetics (formerly Invitae), Labcorp
Classification: Likely benign for X-linked distal spinal muscular atrophy type 3; Cutis laxa, X-linked; Menkes kinky-hair syndrome. Last evaluated: 2026-01-26. Review status: criteria provided, single submitter. Criteria: Invitae Variant Classification Sherloc (09022015). Collection method: clinical testing. Allele origin: germline.

Blueprint Genetics
Classification: Likely benign. Last evaluated: 2024-11-26. Review status: criteria provided, single submitter. Criteria: ACMG Guidelines, 2015. Collection method: clinical testing. Allele origin: germline.

Ambry Genetics
Classification: Uncertain significance for Inborn genetic diseases. Last evaluated: 2020-12-14. Review status: criteria provided, single submitter. Criteria: Ambry Variant Classification Scheme 2023. Collection method: clinical testing. Allele origin: germline.
Comment: The p.R1423W variant (also known as c.4267C>T), located in coding exon 22 of the ATP7A gene, results from a C to T substitution at nucleotide position 4267. The arginine at codon 1423 is replaced by tryptophan, an amino acid with dissimilar properties. This amino acid position is not well conserved in available vertebrate species, and tryptophan is the reference amino acid in other vertebrate species. Based on data from gnomAD, the T allele has an overall frequency of 0.0034% (7/205335) total alleles studied, with 3 hemizygotes observed. The highest observed frequency was 0.013% (2/14850) of East Asian alleles. In addition, this alteration is predicted to be tolerated by in silico analysis. Since supporting evidence is limited at this time, the clinical significance of this alteration remains unclear.

Natera, Inc.
Classification: Likely benign for Menkes kinky hair syndrome. Last evaluated: 2020-10-27. Review status: no assertion criteria provided. Collection method: clinical testing. Allele origin: germline. Not counted in ClinVar's aggregate classification.

NM_000052.7(ATP7A):c.4267C>T (p.Arg1423Trp)

Gene: ATP7A (ATPase copper transporting alpha; plus strand). Cytogenetic location: Xq21.1.
Variant type: single nucleotide variant.
Coding change: c.4267C>T on transcript NM_000052.7 (MANE Select); coding-DNA position 4267, C replaced by T.
Protein change: p.Arg1423Trp; replaces arginine 1423 with tryptophan.
Molecular consequence: missense variant. On other transcripts: non-coding transcript variant (1).
Genome position (GRCh38, 1-based): chrX:78,046,334, C>T. VCF-style: chrX-78046334-C-T. GRCh37 (hg19) VCF-style: chrX-77301831-C-T.
Other names: c.4033C>T, p.Arg1345Trp (NM_001282224.2); c.4267C>T (NM_000052.4); short protein forms R1423W, R1345W.
Identifiers: ClinVar variation 765746 (VCV000765746.13), dbSNP rs149079962, ClinGen allele CA10459536.
Genomic context (GRCh38, chrX:78,046,334, plus strand): 5'-ATACTTTTGCATATGTCCAGTTACAGGAAACCAACTTACGAGAGTTATGAACTGCCTGCC[C>T]GGAGCCAGATAGGACAGAAGAGTCCTTCAGAAATCAGCGTTCATGTTGGAATAGATGATA-3'
Protein context (NP_000043.4, residues 1413-1433): PTYESYELPA[Arg1423Trp]SQIGQKSPSE